The following is an entry in ClinVar:

NM_000263.4(NAGLU):c.1804C>A (p.Leu602Met)

Gene: NAGLU (N-acetyl-alpha-glucosaminidase; plus strand). Cytogenetic location: 17q21.2.
Variant type: single nucleotide variant.
Coding change: c.1804C>A on transcript NM_000263.4 (MANE Select); coding-DNA position 1804, C replaced by A.
Protein change: p.Leu602Met; replaces leucine 602 with methionine.
Molecular consequence: missense variant.
Genome position (GRCh38, 1-based): chr17:42,543,810, C>A. VCF-style: chr17-42543810-C-A. GRCh37 (hg19) VCF-style: chr17-40695828-C-A.
Other names: short protein forms L602M.
Identifiers: ClinVar variation 2089888 (VCV002089888.1), dbSNP rs2510660386, ClinGen allele CA399604928.

ClinVar aggregate classification (germline): Uncertain significance (1 of 4 stars; one submission).

Conditions:
Charcot-Marie-Tooth disease axonal type 2V. Also called: CHARCOT-MARIE-TOOTH NEUROPATHY, TYPE 2V; CHARCOT-MARIE-TOOTH DISEASE, AXONAL, AUTOSOMAL DOMINANT, TYPE 2V. Identifiers: Orphanet 447964, MedGen C5569050, MONDO:0014665, OMIM 616491.
Mucopolysaccharidosis, MPS-III-B (MPS3B). Also called: N-ACETYL-ALPHA-D-GLUCOSAMINIDASE DEFICIENCY; NAGLU DEFICIENCY; SANFILIPPO SYNDROME B; MPS III B; MUCOPOLYSACCHARIDOSIS, TYPE IIIB; MPS IIIB (Sanfilippo Syndrome Type B). Identifiers: Orphanet 79270, MedGen C0086648, MONDO:0009656, OMIM 252920.

Submission:

Labcorp Genetics (formerly Invitae), Labcorp
Classification: Uncertain significance for Charcot-Marie-Tooth disease axonal type 2V; Mucopolysaccharidosis, MPS-III-B. Last evaluated: 2022-01-26. Review status: criteria provided, single submitter. Criteria: Invitae Variant Classification Sherloc (09022015). Collection method: clinical testing. Allele origin: germline.
Comment: This sequence change replaces leucine, which is neutral and non-polar, with methionine, which is neutral and non-polar, at codon 602 of the NAGLU protein (p.Leu602Met). This variant is not present in population databases (gnomAD no frequency). This variant has not been reported in the literature in individuals affected with NAGLU-related conditions. Advanced modeling of protein sequence and biophysical properties (such as structural, functional, and spatial information, amino acid conservation, physicochemical variation, residue mobility, and thermodynamic stability) performed at Invitae indicates that this missense variant is expected to disrupt NAGLU protein function. In summary, the available evidence is currently insufficient to determine the role of this variant in disease. Therefore, it has been classified as a Variant of Uncertain Significance.